The following is an entry in ClinVar:

NM_000459.5(TEK):c.3315C>T (p.Thr1105=)

Gene: TEK (TEK receptor tyrosine kinase; plus strand). Cytogenetic location: 9p21.2.
Variant type: single nucleotide variant.
Coding change: c.3315C>T on transcript NM_000459.5 (MANE Select); coding-DNA position 3315, C replaced by T.
Protein change: p.Thr1105=; no amino-acid change (threonine 1105 retained).
Molecular consequence: synonymous variant.
Genome position (GRCh38, 1-based): chr9:27,229,172, C>T. VCF-style: chr9-27229172-C-T. GRCh37 (hg19) VCF-style: chr9-27229170-C-T.
Other names: c.3186C>T, p.Thr1062= (NM_001290077.2); c.2871C>T, p.Thr957= (NM_001290078.2); c.3312C>T, p.Thr1104= (NM_001375475.1); c.3183C>T, p.Thr1061= (NM_001375476.1).
Identifiers: ClinVar variation 366456 (VCV000366456.14), dbSNP rs148842789, ClinGen allele CA5016832.
Genomic context (GRCh38, chr9:27,229,172, plus strand): 5'-TGGAATCAAAGCAGCCTATGTCTCTGAACCATTTTCATTCTTCCAGACCTACGTGAATAC[C>T]ACGCTTTATGAGAAGTTTACTTATGCAGGAATTGACTGTTCTGCTGAAGAAGCGGCCTAG-3'
Protein context (NP_000450.3, residues 1095-1115): MLEERKTYVN[Thr1105=]TLYEKFTYAG

ClinVar aggregate classification (germline): Benign/Likely benign. Review status: criteria provided, multiple submitters, no conflicts (2 of 4 stars). 3 submissions from 3 submitters: Benign (2); Likely benign (1). Last evaluated 2024-11-07.

Conditions:
Multiple cutaneous and mucosal venous malformations (VMCM). Also called: TEK-Related Multiple Cutaneous and Mucosal Venous Malformations (VMCM). Identifiers: Orphanet 2451, MedGen C1838437, MONDO:0010842, OMIM 600195.

Allele frequency attached by ClinVar (database versions not stated): gnomAD exomes 0.00047 and 0.00141; gnomAD 0.00052 and 0.00064; TOPMed 0.00074; ExAC 0.00138; 1000 Genomes Project 0.00240; 1000 Genomes Project 30x 0.00265.
gnomAD v4.1: 783 of 1,613,780 alleles (0.049%); highest among the groups gnomAD compares: East Asian, 1.6%; 8 homozygotes.

Submissions (3):

Blueprint Genetics
Classification: Likely benign. Last evaluated: 2024-11-07. Review status: criteria provided, single submitter. Criteria: ACMG Guidelines, 2015. Collection method: clinical testing. Allele origin: germline.

Labcorp Genetics (formerly Invitae), Labcorp
Classification: Benign. Last evaluated: 2023-04-24. Review status: criteria provided, single submitter. Criteria: Invitae Variant Classification Sherloc (09022015). Collection method: clinical testing. Allele origin: germline.

Illumina Laboratory Services, Illumina
Classification: Benign for Multiple cutaneous and mucosal venous malformations. Last evaluated: 2018-01-13. Review status: criteria provided, single submitter. Criteria: ICSL Variant Classification Criteria 13 December 2019. Collection method: clinical testing. Allele origin: germline.
Comment: This variant was observed in the ICSL laboratory as part of a predisposition screen in an ostensibly healthy population. It had not been previously curated by ICSL or reported in the Human Gene Mutation Database (HGMD: prior to June 1st, 2018), and was therefore a candidate for classification through an automated scoring system. Utilizing variant allele frequency, disease prevalence and penetrance estimates, and inheritance mode, an automated score was calculated to assess if this variant is too frequent to cause the disease. Based on the score and internal cut-off values, a variant classified as benign is not then subjected to further curation. The score for this variant resulted in a classification of benign for this disease.